The following is an entry in ClinVar:

ClinVar aggregate classification (germline): Uncertain significance (1 of 4 stars; one submission).

Submission:

CeGaT Center for Human Genetics Tuebingen
Classification: Uncertain significance. Last evaluated: 2026-01-01. Review status: criteria provided, single submitter. Criteria: CeGaT Center For Human Genetics Tuebingen Variant Classification Criteria Version 2. Collection method: clinical testing. Allele origin: germline. Affected: yes. Observed: 1 variant allele.
Comment: PPFIA3: PM2

NM_003660.4(PPFIA3):c.1593T>G (p.Asp531Glu)

Gene: PPFIA3 (PPFI scaffold protein A3; plus strand). Cytogenetic location: 19q13.33.
Variant type: single nucleotide variant.
Coding change: c.1593T>G on transcript NM_003660.4 (MANE Select); coding-DNA position 1593, T replaced by G.
Protein change: p.Asp531Glu; replaces aspartic acid 531 with glutamic acid.
Molecular consequence: missense variant. On other transcripts: non-coding transcript variant (1).
Genome position (GRCh38, 1-based): chr19:49,135,851, T>G. VCF-style: chr19-49135851-T-G. GRCh37 (hg19) VCF-style: chr19-49639108-T-G.
Other names: short protein forms D531E.
Identifiers: ClinVar variation 4822987 (VCV004822987.4).